The following is an entry in ClinVar:

NM_018834.6(MATR3):c.1328C>A (p.Thr443Asn)

Gene: MATR3 (matrin 3; plus strand). Cytogenetic location: 5q31.2.
Variant type: single nucleotide variant.
Coding change: c.1328C>A on transcript NM_018834.6 (MANE Select); coding-DNA position 1328, C replaced by A.
Protein change: p.Thr443Asn; replaces threonine 443 with asparagine.
Molecular consequence: missense variant.
Genome position (GRCh38, 1-based): chr5:139,318,927, C>A. VCF-style: chr5-139318927-C-A. GRCh37 (hg19) VCF-style: chr5-138654616-C-A.
Other names: c.1328C>A, p.Thr443Asn (NM_001194954.2, NM_001194955.2, NM_199189.3); c.464C>A, p.Thr155Asn (NM_001194956.2); c.314C>A, p.Thr105Asn (NM_001282278.2); short protein forms T105N, T443N, T155N.
Identifiers: ClinVar variation 1354852 (VCV001354852.6), dbSNP rs2151995266, ClinGen allele CA361140741.

ClinVar aggregate classification (germline): Uncertain significance (1 of 4 stars; one submission).

Conditions:
Amyotrophic lateral sclerosis type 21. Also called: MYOPATHY, DISTAL, 2; VOCAL CORD AND PHARYNGEAL DYSFUNCTION WITH DISTAL MYOPATHY. Identifiers: Orphanet 600, Orphanet 803, MedGen C3807521, MONDO:0011632, OMIM 606070.

Submission:

Labcorp Genetics (formerly Invitae), Labcorp
Classification: Uncertain significance for Amyotrophic lateral sclerosis type 21. Last evaluated: 2022-07-12. Review status: criteria provided, single submitter. Criteria: Invitae Variant Classification Sherloc (09022015). Collection method: clinical testing. Allele origin: germline.
Comment: This sequence change replaces threonine, which is neutral and polar, with asparagine, which is neutral and polar, at codon 443 of the MATR3 protein (p.Thr443Asn). This variant is not present in population databases (gnomAD no frequency). This variant has not been reported in the literature in individuals affected with MATR3-related conditions. ClinVar contains an entry for this variant (Variation ID: 1354852). Algorithms developed to predict the effect of missense changes on protein structure and function are either unavailable or do not agree on the potential impact of this missense change (SIFT: "Deleterious"; PolyPhen-2: "Benign"; Align-GVGD: "Class C0"). In summary, the available evidence is currently insufficient to determine the role of this variant in disease. Therefore, it has been classified as a Variant of Uncertain Significance.